The following is an entry in ClinVar:

NM_004304.5(ALK):c.3605G>A (p.Gly1202Glu)

Gene: ALK (ALK receptor tyrosine kinase; minus strand). Cytogenetic location: 2p23.2.
Variant type: single nucleotide variant.
Coding change: c.3605G>A on transcript NM_004304.5 (MANE Select); coding-DNA position 3605, G replaced by A.
Protein change: p.Gly1202Glu; replaces glycine 1202 with glutamic acid.
Molecular consequence: missense variant.
Genome position (GRCh38, 1-based): chr2:29,220,746, C>T on the plus strand (G>A on the coding strand, the complement: ALK is on the minus strand). VCF-style: chr2-29220746-C-T. GRCh37 (hg19) VCF-style: chr2-29443612-C-T.
Other names: c.401G>A, p.Gly134Glu (NM_001353765.2); c.3605G>A (NM_004304.4); short protein forms G1202E, G134E.
Identifiers: ClinVar variation 2062033 (VCV002062033.5), dbSNP rs1244270149, ClinGen allele CA346473025.
Genomic context (GRCh38, chr2:29,220,746, plus strand): 5'-AAAGACTGGTTCTCACTCACCGGGCGAGGGCGGGTCTCTCGGAGGAAGGACTTGAGGTCT[C>T]CCCCCGCCATGAGCTCCAGCAGGATGAACCGGGGCAGGGATTGCAGGCTCACCCCAATGC-3'
Protein context (NP_004295.2, residues 1192-1212): RFILLELMAG[Gly1202Glu]DLKSFLRETR

ClinVar aggregate classification (germline): Uncertain significance. Review status: criteria provided, multiple submitters, no conflicts (2 of 4 stars). 2 submissions from 2 submitters: Uncertain significance (2). Last evaluated 2025-11-10.

Conditions:
Neuroblastoma, susceptibility to, 3. Also called: ALK-Related Neuroblastic Tumor Susceptibility. Identifiers: Orphanet 635, MedGen C2751681, MONDO:0013083, OMIM 613014.
Hereditary cancer-predisposing syndrome. Also called: Tumor predisposition; Hereditary Cancer Syndrome; Hereditary neoplastic syndrome; Neoplastic Syndromes, Hereditary. Identifiers: Orphanet 140162, MedGen C0027672, MeSH D009386, MONDO:0015356.

gnomAD v4.1: 7 of 1,613,556 alleles (0.00043%); highest among the groups gnomAD compares: South Asian, 0.0066%; no homozygotes.

Submissions (2):

Labcorp Genetics (formerly Invitae), Labcorp
Classification: Uncertain significance for Neuroblastoma, susceptibility to, 3. Last evaluated: 2025-11-10. Review status: criteria provided, single submitter. Criteria: Invitae Variant Classification Sherloc (09022015). Collection method: clinical testing. Allele origin: germline.
Comment: This sequence change replaces glycine, which is neutral and non-polar, with glutamic acid, which is acidic and polar, at codon 1202 of the ALK protein (p.Gly1202Glu). This variant is present in population databases (no rsID available, gnomAD 0.007%). This variant has not been reported in the literature in individuals affected with ALK-related conditions. ClinVar contains an entry for this variant (Variation ID: 2062033). An algorithm developed to predict the effect of missense changes on protein structure and function (PolyPhen-2) suggests that this variant is likely to be disruptive. In summary, the available evidence is currently insufficient to determine the role of this variant in disease. Therefore, it has been classified as a Variant of Uncertain Significance.

Ambry Genetics
Classification: Uncertain significance for Hereditary cancer-predisposing syndrome. Last evaluated: 2024-10-25. Review status: criteria provided, single submitter. Criteria: Ambry Variant Classification Scheme 2023. Collection method: clinical testing. Allele origin: germline.
Comment: The p.G1202E variant (also known as c.3605G>A), located in coding exon 23 of the ALK gene, results from a G to A substitution at nucleotide position 3605. The glycine at codon 1202 is replaced by glutamic acid, an amino acid with similar properties. This amino acid position is highly conserved in available vertebrate species. In addition, this alteration is predicted to be deleterious by in silico analysis. Based on the available evidence, the clinical significance of this variant remains unclear.